The following is an entry in ClinVar:

ClinVar aggregate classification (germline): Uncertain significance (1 of 4 stars; one submission).

Allele frequency attached by ClinVar (database versions not stated): gnomAD exomes below 0.00001; gnomAD 0.00001; TOPMed 0.00001.
gnomAD v4.1: 8 of 1,613,986 alleles (0.0005%); highest among the groups gnomAD compares: Admixed American, 0.0033%; no homozygotes.

Submission:

Labcorp Genetics (formerly Invitae), Labcorp
Classification: Uncertain significance. Last evaluated: 2026-01-28. Review status: criteria provided, single submitter. Criteria: Invitae Variant Classification Sherloc (09022015). Collection method: clinical testing. Allele origin: germline.
Comment: This sequence change falls in intron 3 of the MAP3K8 gene. It does not directly change the encoded amino acid sequence of the MAP3K8 protein. It affects a nucleotide within the consensus splice site. This variant is present in population databases (no rsID available, gnomAD 0.003%). This variant has not been reported in the literature in individuals affected with MAP3K8-related conditions. ClinVar contains an entry for this variant (Variation ID: 1376854). Variants that disrupt the consensus splice site are a relatively common cause of aberrant splicing (PMID: 17576681, 9536098). Algorithms developed to predict the effect of sequence changes on RNA splicing suggest that this variant is not likely to affect RNA splicing. In summary, the available evidence is currently insufficient to determine the role of this variant in disease. Therefore, it has been classified as a Variant of Uncertain Significance.

Literature cited by the submitters: PubMed 17576681; PubMed 9536098.

NM_005204.4(MAP3K8):c.336+4C>T

Gene: MAP3K8 (mitogen-activated protein kinase kinase kinase 8; plus strand). Cytogenetic location: 10p11.23.
Variant type: single nucleotide variant.
Coding change: c.336+4C>T on transcript NM_005204.4 (MANE Select); 4 bases into the intron after coding-DNA position 336, C replaced by T.
Molecular consequence: intron variant.
Genome position (GRCh38, 1-based): chr10:30,439,278, C>T. VCF-style: chr10-30439278-C-T. GRCh37 (hg19) VCF-style: chr10-30728207-C-T.
Other names: c.336+4C>T (NM_001244134.1, NM_001320961.2).
Identifiers: ClinVar variation 1376854 (VCV001376854.6), dbSNP rs886724478, ClinGen allele CA205307296.
Genomic context (GRCh38, chr10:30,439,278, plus strand): 5'-ACTGCAAAGCATTTTTATGGACAACGACCACAGGAATCTGGAATTTTATTAAACATGGTA[C>T]GTTTCTTTCCGATCAGTTGGGTGCTATGTGCTCAGCTTTCCTACTGCAGCTTCATTTAAT-3'